The following is an entry in ClinVar:

NM_000238.4(KCNH2):c.2234G>C (p.Gly745Ala)

Gene: KCNH2 (potassium voltage-gated channel subfamily H member 2; minus strand). Cytogenetic location: 7q36.1.
Variant type: single nucleotide variant.
Coding change: c.2234G>C on transcript NM_000238.4 (MANE Select); coding-DNA position 2234, G replaced by C.
Protein change: p.Gly745Ala; replaces glycine 745 with alanine.
Molecular consequence: missense variant. On other transcripts: non-coding transcript variant (2).
Genome position (GRCh38, 1-based): chr7:150,950,332, C>G on the plus strand (G>C on the coding strand, the complement: KCNH2 is on the minus strand). VCF-style: chr7-150950332-C-G. GRCh37 (hg19) VCF-style: chr7-150647420-C-G.
Other names: c.1214G>C, p.Gly405Ala (NM_001204798.2, NM_172057.3); c.1946G>C, p.Gly649Ala (NM_001406753.1, NM_001406756.1); c.2057G>C, p.Gly686Ala (NM_001406755.1); c.1934G>C, p.Gly645Ala (NM_001406757.1); c.2234G>C, p.Gly745Ala (NM_172056.3); short protein forms G405A, G645A, G649A, G686A, G745A.
Identifiers: ClinVar variation 4757084 (VCV004757084.2).

ClinVar aggregate classification (germline): Uncertain significance. Review status: criteria provided, multiple submitters, no conflicts (2 of 4 stars). 2 submissions from 2 submitters: Uncertain significance (2). Last evaluated 2025-06-17.

Conditions:
Cardiac arrhythmia. Also called: Arrhythmia; Cardiac rhythm disease. Identifiers: MedGen C0003811, MONDO:0007263, HP:0011675.

Submissions (2):

Color Diagnostics, LLC DBA Color Health
Classification: Uncertain significance for Cardiac arrhythmia. Last evaluated: 2025-06-17. Review status: criteria provided, single submitter. Criteria: ACMG Guidelines, 2015. Collection method: clinical testing. Allele origin: germline.
Comment: This missense variant replaces glycine with alanine at codon 745 of the KCNH2 protein. Computational prediction suggests that this variant may have deleterious impact on protein structure and function. To our knowledge, functional studies have not been reported for this variant. This variant has not been reported in individuals affected with KCNH2-related disorders in the literature. This variant has not been identified in the general population by the Genome Aggregation Database (gnomAD). The available evidence is insufficient to determine the role of this variant in disease conclusively. Therefore, this variant is classified as a Variant of Uncertain Significance.

Blueprint Genetics
Classification: Uncertain significance. Last evaluated: 2023-04-20. Review status: criteria provided, single submitter. Criteria: ACMG Guidelines, 2015. Collection method: clinical testing. Allele origin: germline.